The following is an entry in ClinVar:

ClinVar aggregate classification (germline): Uncertain significance. Review status: criteria provided, multiple submitters, no conflicts (2 of 4 stars). 2 submissions from 2 submitters: Uncertain significance (2). Last evaluated 2026-05-11.

Conditions:
SYNE4-related disorder. Also called: SYNE4-related condition.
SYNE4-related hearing loss.

Allele frequency attached by ClinVar (database versions not stated): ExAC 0.00003; gnomAD 0.00010; 1000 Genomes Project 0.00020; TOPMed 0.00021; 1000 Genomes Project 30x 0.00031.
gnomAD v4.1: 128 of 1,574,140 alleles (0.0081%); highest among the groups gnomAD compares: Admixed American, 0.071%; no homozygotes.

Submissions (2):

PreventionGenetics, part of Exact Sciences
Classification: Uncertain significance for SYNE4-related condition. Last evaluated: 2026-05-11. Review status: criteria provided, single submitter. Criteria: ACMG Guidelines, 2015. Collection method: clinical testing. Allele origin: germline.
Comment: The SYNE4 c.499C>T variant is predicted to result in the amino acid substitution p.Arg167Trp. To our knowledge, this variant has not been reported in the literature. This variant is reported in 0.057% of alleles in individuals of Latino descent in gnomAD. Although we suspect that this variant may be benign, at this time, the clinical significance of this variant is uncertain due to the absence of conclusive functional and genetic evidence.

GeneDx
Classification: Uncertain significance. Last evaluated: 2025-12-19. Review status: criteria provided, single submitter. Criteria: GeneDx Variant Classification Process June 2021. Collection method: clinical testing. Allele origin: germline.
Comment: In silico analysis supports that this missense variant has a deleterious effect on protein structure/function; Has not been previously published as pathogenic or benign to our knowledge

NM_001039876.3(SYNE4):c.499C>T (p.Arg167Trp)

Gene: SYNE4 (spectrin repeat containing nuclear envelope family member 4; minus strand). Cytogenetic location: 19q13.12.
Variant type: single nucleotide variant.
Coding change: c.499C>T on transcript NM_001039876.3 (MANE Select); coding-DNA position 499, C replaced by T.
Protein change: p.Arg167Trp; replaces arginine 167 with tryptophan.
Molecular consequence: missense variant. On other transcripts: intron variant (1).
Genome position (GRCh38, 1-based): chr19:36,006,869, G>A on the plus strand (C>T on the coding strand, the complement: SYNE4 is on the minus strand). VCF-style: chr19-36006869-G-A. GRCh37 (hg19) VCF-style: chr19-36497771-G-A.
Other names: c.499C>T (NM_001039876.2); c.280-198C>T (NM_001297735.3); short protein forms R167W.
Identifiers: ClinVar variation 1802522 (VCV001802522.5), dbSNP rs549535425, ClinGen allele CA9393917.